The following is an entry in ClinVar:

ClinVar aggregate classification (germline): Uncertain significance (1 of 4 stars; one submission).

Conditions:
Long QT syndrome (LQTS). Identifiers: MedGen C0023976, MeSH D008133, MONDO:0002442. Disease mechanism: loss of function. Inheritance: Various modes of inheritance.

Allele frequency attached by ClinVar (database versions not stated): gnomAD exomes below 0.00001; TOPMed 0.00001.
gnomAD v4.1: 14 of 1,614,104 alleles (0.00087%); highest among the groups gnomAD compares: South Asian, 0.0066%; no homozygotes.

Submission:

Labcorp Genetics (formerly Invitae), Labcorp
Classification: Uncertain significance for Long QT syndrome. Last evaluated: 2024-05-31. Review status: criteria provided, single submitter. Criteria: Invitae Variant Classification Sherloc (09022015). Collection method: clinical testing. Allele origin: germline.
Comment: This sequence change replaces valine, which is neutral and non-polar, with isoleucine, which is neutral and non-polar, at codon 2389 of the ANK2 protein (p.Val2389Ile). This variant is present in population databases (no rsID available, gnomAD 0.003%). This variant has not been reported in the literature in individuals affected with ANK2-related conditions. ClinVar contains an entry for this variant (Variation ID: 954304). An algorithm developed to predict the effect of missense changes on protein structure and function (PolyPhen-2) suggests that this variant is likely to be tolerated. In summary, the available evidence is currently insufficient to determine the role of this variant in disease. Therefore, it has been classified as a Variant of Uncertain Significance.

NM_001148.6(ANK2):c.7165G>A (p.Val2389Ile)

Genes: ANK2 (ankyrin 2; plus strand), LOC126807137 (CDK7 strongly-dependent group 2 enhancer GRCh37_chr4:114276560-114277759; plus strand). Cytogenetic location: 4q26.
Variant type: single nucleotide variant.
Coding change: c.7165G>A on transcript NM_001148.6 (MANE Select); coding-DNA position 7165, G replaced by A.
Protein change: p.Val2389Ile; replaces valine 2389 with isoleucine.
Molecular consequence: missense variant. On other transcripts: intron variant (68).
Genome position (GRCh38, 1-based): chr4:113,355,783, G>A. VCF-style: chr4-113355783-G-A. GRCh37 (hg19) VCF-style: chr4-114276939-G-A.
Other names: c.6931G>A, p.Val2311Ile (NM_001386142.1); c.3565G>A, p.Val1189Ile (NM_001386166.1); c.7306G>A, p.Val2436Ile (NM_001386174.1); c.7282G>A, p.Val2428Ile (NM_001386175.1); c.4412-5040G>A (NM_001386186.2, NM_001386148.2); c.4214-5040G>A (NM_001354269.3); c.4292-5040G>A (NM_001386187.2); c.4253-5040G>A (NM_001386147.1); and 35 more; short protein forms V2389I, V2436I, V1189I, V2311I, V2428I.
Identifiers: ClinVar variation 954304 (VCV000954304.7), dbSNP rs1401163801, ClinGen allele CA357929679.